The following is an entry in ClinVar:

NC_000016.9:g.(?_160503)_(169274_?)del

Gene: NPRL3 (NPR3 like, GATOR1 complex subunit; minus strand). Cytogenetic location: 16p13.3.
Variant type: Deletion.
Identifiers: ClinVar variation 1373461 (VCV001373461.6).

ClinVar aggregate classification (germline): Uncertain significance (1 of 4 stars; one submission).

Conditions:
Epilepsy, familial focal, with variable foci 3 (FFEVF3). Identifiers: MedGen C4310708, MONDO:0014925, OMIM 617118.

Submission:

Labcorp Genetics (formerly Invitae), Labcorp
Classification: Uncertain significance for Epilepsy, familial focal, with variable foci 3. Last evaluated: 2021-08-22. Review status: criteria provided, single submitter. Criteria: Invitae Variant Classification Sherloc (09022015). Collection method: clinical testing. Allele origin: germline.
Comment: This variant is a gross deletion of the genomic region encompassing exon(s) 4-7 of the NPRL3 gene. This variant would be expected to be in-frame, preserving the integrity of the reading frame. This variant has not been reported in the literature in individuals with NPRL3-related conditions. Experimental studies and prediction algorithms are not available or were not evaluated, and the functional significance of this variant is currently unknown. In summary, the available evidence is currently insufficient to determine the role of this variant in disease. Therefore, it has been classified as a Variant of Uncertain Significance.